The following is an entry in ClinVar:

ClinVar aggregate classification (germline): Uncertain significance (1 of 4 stars; one submission).

Conditions:
WDR37-related disorder. Also called: WDR37-related condition.

gnomAD v4.1: 2 of 1,613,950 alleles (0.00012%); highest among the groups gnomAD compares: Non-Finnish European, 0.00017%; no homozygotes.

Submission:

PreventionGenetics, part of Exact Sciences
Classification: Uncertain significance for WDR37-related condition. Last evaluated: 2025-10-06. Review status: criteria provided, single submitter. Criteria: ACMG Guidelines, 2015. Collection method: clinical testing. Allele origin: germline.
Comment: The WDR37 c.120A>C variant is predicted to result in the amino acid substitution p.Arg40Ser. To our knowledge, this variant has not been reported in the literature. This variant is reported in 0.0065% of alleles in individuals of European (Non-Finnish) descent in gnomAD. At this time, the clinical significance of this variant is uncertain due to the absence of conclusive functional and genetic evidence.

NM_014023.4(WDR37):c.120A>C (p.Arg40Ser)

Gene: WDR37 (WD repeat domain 37; plus strand). Cytogenetic location: 10p15.3.
Variant type: single nucleotide variant.
Coding change: c.120A>C on transcript NM_014023.4 (MANE Select); coding-DNA position 120, A replaced by C.
Protein change: p.Arg40Ser; replaces arginine 40 with serine.
Molecular consequence: missense variant.
Genome position (GRCh38, 1-based): chr10:1,072,275, A>C. VCF-style: chr10-1072275-A-C. GRCh37 (hg19) VCF-style: chr10-1118215-A-C.
Other names: short protein forms R40S.
Identifiers: ClinVar variation 4987412 (VCV004987412.1).